The following is an entry in ClinVar:

ClinVar aggregate classification (germline): Likely benign. Review status: criteria provided, multiple submitters, no conflicts (2 of 4 stars). 2 submissions from 2 submitters: Likely benign (2). Last evaluated 2018-06-14.

Allele frequency attached by ClinVar (database versions not stated): gnomAD 0.19957 and 0.20465.
gnomAD v4.1: 2,173 of 10,804 alleles (20%); highest among the groups gnomAD compares: Admixed American, 31%; 191 homozygotes.

Submissions (2):

GeneDx
Classification: Likely benign. Last evaluated: 2018-06-14. Review status: criteria provided, single submitter. Criteria: GeneDx Variant Classification (06012015). Collection method: clinical testing. Allele origin: germline. Affected: yes.
Comment: This variant is considered likely benign or benign based on one or more of the following criteria: it is a conservative change, it occurs at a poorly conserved position in the protein, it is predicted to be benign by multiple in silico algorithms, and/or has population frequency not consistent with disease.

Breakthrough Genomics
Classification: Likely benign. Review status: criteria provided, single submitter. Criteria: ACMG Guidelines, 2015. Collection method: not provided. Allele origin: germline. Inheritance: Autosomal dominant inheritance. Affected: yes.

NM_139276.3(STAT3):c.550+210A>C

Gene: STAT3 (signal transducer and activator of transcription 3; minus strand). Cytogenetic location: 17q21.2.
Variant type: single nucleotide variant.
Coding change: c.550+210A>C on transcript NM_139276.3 (MANE Select); 210 bases into the intron after coding-DNA position 550, A replaced by C.
Molecular consequence: intron variant.
Genome position (GRCh38, 1-based): chr17:42,338,521, T>G on the plus strand (A>C on the coding strand, the complement: STAT3 is on the minus strand). VCF-style: chr17-42338521-T-G. GRCh37 (hg19) VCF-style: chr17-40490539-T-G.
Other names: c.454+210A>C (NM_001384989.1); c.550+210A>C (NM_001384992.1, NM_001384984.1, NM_001369519.1 and 15 more transcripts); c.472+210A>C (NM_001384985.1).
Identifiers: ClinVar variation 677122 (VCV000677122.2), dbSNP rs35162488, ClinGen allele CA290743178.